The following is an entry in ClinVar:

NM_000368.5(TSC1):c.856C>G (p.Pro286Ala)

Gene: TSC1 (TSC complex subunit 1; minus strand). Cytogenetic location: 9q34.13.
Variant type: single nucleotide variant.
Coding change: c.856C>G on transcript NM_000368.5 (MANE Select); coding-DNA position 856, C replaced by G.
Protein change: p.Pro286Ala; replaces proline 286 with alanine.
Molecular consequence: missense variant.
Genome position (GRCh38, 1-based): chr9:132,912,339, G>C on the plus strand (C>G on the coding strand, the complement: TSC1 is on the minus strand). VCF-style: chr9-132912339-G-C. GRCh37 (hg19) VCF-style: chr9-135787726-G-C.
Other names: c.856C>G, p.Pro286Ala (NM_001162426.2); c.703C>G, p.Pro235Ala (NM_001162427.2); c.493C>G, p.Pro165Ala (NM_001362177.2); short protein forms P235A, P286A, P165A.
Identifiers: ClinVar variation 958254 (VCV000958254.12), dbSNP rs1047485135, ClinGen allele CA200894798.

ClinVar aggregate classification (germline): Conflicting classifications of pathogenicity. Review status: criteria provided, conflicting classifications (1 of 4 stars). 3 submissions from 3 submitters: Uncertain significance (2); Likely benign (1). Last evaluated 2025-09-30.

Conditions:
Hereditary cancer-predisposing syndrome. Also called: Hereditary neoplastic syndrome; Tumor predisposition; Neoplastic Syndromes, Hereditary; Hereditary Cancer Syndrome. Identifiers: Orphanet 140162, MedGen C0027672, MeSH D009386, MONDO:0015356.
Tuberous sclerosis 1 (TSC1). Identifiers: Orphanet 805, MedGen C1854465, MONDO:0008612, OMIM 191100.

Allele frequency attached by ClinVar (database versions not stated): gnomAD exomes below 0.00001; TOPMed 0.00002.

Submissions (3):

Labcorp Genetics (formerly Invitae), Labcorp
Classification: Likely benign for Tuberous sclerosis 1. Last evaluated: 2025-09-30. Review status: criteria provided, single submitter. Criteria: Invitae Variant Classification Sherloc (09022015). Collection method: clinical testing. Allele origin: germline.

Ambry Genetics
Classification: Uncertain significance for Hereditary cancer-predisposing syndrome. Last evaluated: 2025-03-23. Review status: criteria provided, single submitter. Criteria: Ambry Variant Classification Scheme 2023. Collection method: clinical testing. Allele origin: germline.
Comment: The p.P286A variant (also known as c.856C>G), located in coding exon 7 of the TSC1 gene, results from a C to G substitution at nucleotide position 856. The proline at codon 286 is replaced by alanine, an amino acid with highly similar properties. This amino acid position is not well conserved in available vertebrate species. In addition, this alteration is predicted to be tolerated by in silico analysis. Since supporting evidence is limited at this time, the clinical significance of this alteration remains unclear.

St. Jude Molecular Pathology, St. Jude Children's Research Hospital
Classification: Uncertain significance for Tuberous sclerosis 1. Last evaluated: 2024-01-26. Review status: criteria provided, single submitter. Criteria: St. Jude Assertion Criteria 2020. Collection method: clinical testing. Allele origin: germline.
Comment: The TSC1 c.856C>G (p.Pro286Ala) missense change has a maximum subpopulation frequency of 0.016% in gnomAD v2.1.1. The in silico tool REVEL predicts a benign effect on protein function, but this prediction has not been confirmed by functional studies. This variant has not been reported in individuals with tuberous sclerosis complex. In summary, the evidence currently available is insufficient to determine the clinical significance of this variant. It has therefore been classified as of uncertain significance.